The following is an entry in ClinVar:

ClinVar aggregate classification (germline): Uncertain significance (1 of 4 stars; one submission).

Submission:

GeneDx
Classification: Uncertain significance. Last evaluated: 2024-03-16. Review status: criteria provided, single submitter. Criteria: GeneDx Variant Classification Process June 2021. Collection method: clinical testing. Allele origin: germline. Affected: yes.
Comment: Not observed at significant frequency in large population cohorts (gnomAD); In silico analysis supports that this missense variant has a deleterious effect on protein structure/function; Has not been previously published as pathogenic or benign to our knowledge

NM_000037.4(ANK1):c.1979A>T (p.Asn660Ile)

Gene: ANK1 (ankyrin 1; minus strand). Cytogenetic location: 8p11.21.
Variant type: single nucleotide variant.
Coding change: c.1979A>T on transcript NM_000037.4 (MANE Select); coding-DNA position 1979, A replaced by T.
Protein change: p.Asn660Ile; replaces asparagine 660 with isoleucine.
Molecular consequence: missense variant.
Genome position (GRCh38, 1-based): chr8:41,708,797, T>A on the plus strand (A>T on the coding strand, the complement: ANK1 is on the minus strand). VCF-style: chr8-41708797-T-A. GRCh37 (hg19) VCF-style: chr8-41566315-T-A.
Other names: c.2078A>T, p.Asn693Ile (NM_001142446.2); c.1979A>T, p.Asn660Ile (NM_020475.3, NM_020476.3, NM_020477.3); short protein forms N660I, N693I.
Identifiers: ClinVar variation 3370989 (VCV003370989.1).
Genomic context (GRCh38, chr8:41,708,797, plus strand): 5'-TATCCAGCACTCCAGGGCAGATCCGAAGACACCATGCCTACCTTGTTCCCCAGGTTGCCA[T>A]TGGCTTGTTTCGAGAGCAGCAGAGCCACCATCTCTGCGTGGCCCTCCTGGGCGGCCAGGT-3'
Protein context (NP_000028.3, residues 650-670): MVALLLSKQA[Asn660Ile]GNLGNKSGLT